The following is an entry in ClinVar:

ClinVar aggregate classification (germline): Uncertain significance. Review status: criteria provided, multiple submitters, no conflicts (2 of 4 stars). 2 submissions from 2 submitters: Uncertain significance (2). Last evaluated 2024-06-25.

Allele frequency attached by ClinVar (database versions not stated): TOPMed below 0.00001; gnomAD 0.00001.
gnomAD v4.1: 1 of 1,613,706 alleles (0.000062%); highest among the groups gnomAD compares: Non-Finnish European, 0.000085%; no homozygotes.

Submissions (2):

Ambry Genetics
Classification: Uncertain significance. Last evaluated: 2024-06-25. Review status: criteria provided, single submitter. Criteria: Ambry Variant Classification Scheme 2023. Collection method: clinical testing. Allele origin: germline.

Labcorp Genetics (formerly Invitae), Labcorp
Classification: Uncertain significance. Last evaluated: 2021-03-20. Review status: criteria provided, single submitter. Criteria: Invitae Variant Classification Sherloc (09022015). Collection method: clinical testing. Allele origin: germline.
Comment: This sequence change replaces alanine with glycine at codon 72 of the PDE6G protein (p.Ala72Gly). The alanine residue is highly conserved and there is a small physicochemical difference between alanine and glycine. This variant is not present in population databases (ExAC no frequency). In summary, the available evidence is currently insufficient to determine the role of this variant in disease. Therefore, it has been classified as a Variant of Uncertain Significance. Algorithms developed to predict the effect of missense changes on protein structure and function (SIFT, PolyPhen-2, Align-GVGD) all suggest that this variant is likely to be disruptive, but these predictions have not been confirmed by published functional studies and their clinical significance is uncertain. This variant has not been reported in the literature in individuals with PDE6G-related conditions.

NM_002602.4(PDE6G):c.215C>G (p.Ala72Gly)

Gene: PDE6G (phosphodiesterase 6G; minus strand). Cytogenetic location: 17q25.3.
Variant type: single nucleotide variant.
Coding change: c.215C>G on transcript NM_002602.4 (MANE Select); coding-DNA position 215, C replaced by G.
Protein change: p.Ala72Gly; replaces alanine 72 with glycine.
Molecular consequence: missense variant. On other transcripts: non-coding transcript variant (2).
Genome position (GRCh38, 1-based): chr17:81,651,123, G>C on the plus strand (C>G on the coding strand, the complement: PDE6G is on the minus strand). VCF-style: chr17-81651123-G-C. GRCh37 (hg19) VCF-style: chr17-79618153-G-C.
Other names: c.215C>G, p.Ala72Gly (NM_001365724.1, NM_001365725.1); c.215C>G (NM_002602.3); short protein forms A72G.
Identifiers: ClinVar variation 1379793 (VCV001379793.9), dbSNP rs1405808153, ClinGen allele CA401473967.